The following is an entry in ClinVar:

ClinVar aggregate classification (germline): Uncertain significance (1 of 4 stars; one submission).

Submission:

Labcorp Genetics (formerly Invitae), Labcorp
Classification: Uncertain significance. Last evaluated: 2021-04-29. Review status: criteria provided, single submitter. Criteria: Invitae Variant Classification Sherloc (09022015). Collection method: clinical testing. Allele origin: germline.
Comment: This variant has not been reported in the literature in individuals with MYH14-related conditions. This variant is not present in population databases (ExAC no frequency). This sequence change replaces glycine with aspartic acid at codon 660 of the MYH14 protein (p.Gly660Asp). The glycine residue is highly conserved and there is a moderate physicochemical difference between glycine and aspartic acid. Algorithms developed to predict the effect of missense changes on protein structure and function are either unavailable or do not agree on the potential impact of this missense change (SIFT: "Deleterious"; PolyPhen-2: "Benign"; Align-GVGD: "Class C65"). Algorithms developed to predict the effect of sequence changes on RNA splicing suggest that this variant may create or strengthen a splice site, but this prediction has not been confirmed by published transcriptional studies. In summary, the available evidence is currently insufficient to determine the role of this variant in disease. Therefore, it has been classified as a Variant of Uncertain Significance.

NM_001145809.2(MYH14):c.2102G>A (p.Gly701Asp)

Gene: MYH14 (myosin heavy chain 14; plus strand). Cytogenetic location: 19q13.33.
Variant type: single nucleotide variant.
Coding change: c.2102G>A on transcript NM_001145809.2 (MANE Select); coding-DNA position 2102, G replaced by A.
Protein change: p.Gly701Asp; replaces glycine 701 with aspartic acid.
Molecular consequence: missense variant.
Genome position (GRCh38, 1-based): chr19:50,257,356, G>A. VCF-style: chr19-50257356-G-A. GRCh37 (hg19) VCF-style: chr19-50760613-G-A.
Other names: c.2003G>A, p.Gly668Asp (NM_001077186.2); c.1979G>A, p.Gly660Asp (NM_024729.4); short protein forms G668D, G660D, G701D.
Identifiers: ClinVar variation 1516241 (VCV001516241.8), dbSNP rs2123333715, ClinGen allele CA406944511.